The following is an entry in ClinVar:

ClinVar aggregate classification (germline): Pathogenic/Likely pathogenic. Review status: criteria provided, multiple submitters, no conflicts (2 of 4 stars). 2 submissions from 2 submitters: Pathogenic (1); Likely pathogenic (1). Last evaluated 2022-07-18.

Conditions:
Leukocyte adhesion deficiency 1 (LAD1). Also called: LEUKOCYTE ADHESION DEFICIENCY, TYPE I; LAD 1; Lymphocyte function-associated antigen 1 immunodeficiency; LFA 1 immunodeficiency. Identifiers: Orphanet 2968, Orphanet 99842, MedGen C0398738, MONDO:0007293, OMIM 116920.

Submissions (2):

Labcorp Genetics (formerly Invitae), Labcorp
Classification: Pathogenic for Leukocyte adhesion deficiency 1. Last evaluated: 2022-07-18. Review status: criteria provided, single submitter. Criteria: Invitae Variant Classification Sherloc (09022015). Collection method: clinical testing. Allele origin: germline.
Comment: This variant has not been reported in the literature in individuals affected with ITGB2-related conditions. For these reasons, this variant has been classified as Pathogenic. This variant is not present in population databases (gnomAD no frequency). This sequence change creates a premature translational stop signal (p.Ser99Profs*5) in the ITGB2 gene. It is expected to result in an absent or disrupted protein product. Loss-of-function variants in ITGB2 are known to be pathogenic (PMID: 22134107, 25703682).

Neuberg Centre For Genomic Medicine, NCGM
Classification: Likely pathogenic for Leukocyte adhesion deficiency 1. Review status: criteria provided, single submitter. Criteria: ACMG Guidelines, 2015. Collection method: clinical testing. Allele origin: germline. Inheritance: Autosomal recessive inheritance. Affected: yes.
Comment: The frame shift c.295delp.Ser99ProfsTer5 variant in ITGB2 gene has not been reported previously as a pathogenic variant nor as a benign variant, to our knowledge. The observed variant is absent in gnomAD exomes database. This variant has been submitted to the ClinVar database as Pathogenic. This variant causes a frameshift starting with codon Serine 99, changes this amino acid to Proline residue, and creates a premature Stop codon at position 5 of the new reading frame, denoted p.Ser99ProfsTer5. This variant is predicted to cause loss of normal protein function through protein truncation. Loss of function variants have been previously reported to be disease causing. However, functional studies will be required to confirm the pathogenicity of the variant. For these reasons, this variant has been classified as Likely Pathogenic.

Literature cited by the submitters: PubMed 22134107 (cited by Labcorp Genetics (formerly Invitae), Labcorp); PubMed 25703682 (cited by Labcorp Genetics (formerly Invitae), Labcorp).

NM_000211.5(ITGB2):c.295del (p.Ser99fs)

Gene: ITGB2 (integrin subunit beta 2; minus strand). Cytogenetic location: 21q22.3.
Variant type: Deletion.
Coding change: c.295del on transcript NM_000211.5 (MANE Select); coding-DNA position 295, one base deleted (T; older notation c.295delT).
Protein change: p.Ser99fs; shifts the reading frame from serine 99.
Molecular consequence: frameshift variant.
Genome position (GRCh38, 1-based): chr21:44,906,948, A deleted on the plus strand (T on the coding strand, the reverse complement: ITGB2 is on the minus strand). VCF-style (leftmost placement, unchanged base first): chr21-44906947-GA-G. GRCh37 (hg19) VCF-style: chr21-46326862-GA-G.
Other names: c.295del, p.Ser99fs (NM_001127491.3); c.88del, p.Ser30fs (NM_001303238.2); short protein forms S30fs, S99fs.
Identifiers: ClinVar variation 1966969 (VCV001966969.6), dbSNP rs2517152384, ClinGen allele CA2580098848.
Genomic context (GRCh38, chr21:44,906,947, plus strand): 5'-CTGGCACCACCACCGAGGCCAAGCCTACCTGGTCGCAGGTAAAGCGTCACTTTTTGTGGG[GA>G]CAGCTGCTTCTGGCCCCCATTGTGGTCTTCCTGGGTTTCAGCGAGGCTTGTGGGGTCCAT-3'